The following is an entry in ClinVar:

NM_000312.4(PROC):c.263-14G>T

Gene: PROC (protein C, inactivator of coagulation factors Va and VIIIa; plus strand). Cytogenetic location: 2q14.3.
Variant type: single nucleotide variant.
Coding change: c.263-14G>T on transcript NM_000312.4 (MANE Select); 14 bases into the intron before coding-DNA position 263, G replaced by T.
Molecular consequence: intron variant. On other transcripts: missense variant (1).
Genome position (GRCh38, 1-based): chr2:127,423,020, G>T. VCF-style: chr2-127423020-G-T. GRCh37 (hg19) VCF-style: chr2-128180596-G-T.
Other names: c.404G>T, p.Arg135Leu (NM_001375606.1); c.263-14G>T (NM_001375611.1, NM_001375605.1, NM_001375608.1 and 2 more transcripts); c.446-14G>T (NM_001375602.1); c.347-14G>T (NM_001375607.1); c.257-14G>T (NM_001375610.1); c.326-14G>T (NM_001375603.1, NM_001375604.1); c.239-14G>T (NM_001375609.1); short protein forms R135L.
Identifiers: ClinVar variation 2039341 (VCV002039341.7), dbSNP rs370917112, ClinGen allele CA1859305.

ClinVar aggregate classification (germline): Benign/Likely benign. Review status: criteria provided, multiple submitters, no conflicts (2 of 4 stars). 3 submissions from 3 submitters: Benign (1); Likely benign (1). 1 of the submissions does not count toward it. Last evaluated 2024-12-27.

Conditions:
PROC-related disorder. Also called: PROC-related condition.
Thrombophilia due to protein C deficiency, autosomal dominant. Also called: PROC DEFICIENCY, AUTOSOMAL DOMINANT; PROTEIN C DEFICIENCY, AUTOSOMAL DOMINANT. Identifiers: Orphanet 745, MedGen C2674321, MONDO:0008316, OMIM 176860. Disease mechanism: loss of function.

Allele frequency attached by ClinVar (database versions not stated): gnomAD exomes 0.00003; ExAC 0.00020; ESP Exome Variant Server 0.00046; gnomAD 0.00049; TOPMed 0.00062; 1000 Genomes Project 30x 0.00078; 1000 Genomes Project 0.00080.

Submissions (3):

Labcorp Genetics (formerly Invitae), Labcorp
Classification: Benign for Thrombophilia due to protein C deficiency, autosomal dominant. Last evaluated: 2024-12-27. Review status: criteria provided, single submitter. Criteria: Invitae Variant Classification Sherloc (09022015). Collection method: clinical testing. Allele origin: germline.

Blueprint Genetics
Classification: Likely benign. Last evaluated: 2023-12-18. Review status: criteria provided, single submitter. Criteria: ACMG Guidelines, 2015. Collection method: clinical testing. Allele origin: germline.

PreventionGenetics, part of Exact Sciences
Classification: Likely benign for PROC-related condition. Last evaluated: 2020-03-20. Review status: no assertion criteria provided. Collection method: clinical testing. Allele origin: germline. Not counted in ClinVar's aggregate classification.
Comment: This variant is classified as likely benign based on ACMG/AMP sequence variant interpretation guidelines (Richards et al. 2015 PMID: 25741868, with internal and published modifications).